The following is an entry in ClinVar:

NM_001042492.3(NF1):c.288+2T>A

Gene: NF1 (neurofibromin 1; plus strand). Cytogenetic location: 17q11.2.
Variant type: single nucleotide variant.
Coding change: c.288+2T>A on transcript NM_001042492.3 (MANE Select); the canonical splice donor site of the intron after coding-DNA position 288, T replaced by A.
Molecular consequence: splice donor variant.
Genome position (GRCh38, 1-based): chr17:31,159,095, T>A. VCF-style: chr17-31159095-T-A. GRCh37 (hg19) VCF-style: chr17-29486113-T-A.
Other names: c.288+2T>A (NM_000267.4, NM_001128147.3).
Identifiers: ClinVar variation 527581 (VCV000527581.6), dbSNP rs1555605406, ClinGen allele CA398989911.
Genomic context (GRCh38, chr17:31,159,095, plus strand): 5'-AAAATTTATATCTCTCTCAGTTGATTATATTGGATACACTGGAAAAATGTCTTGCTGGGG[T>A]AAGTAAATTGATCTTAAGTAGGCAGGCTTTGTGAATTTGATCTTGAGAATGATCTTATGT-3'

ClinVar aggregate classification (germline): Pathogenic (1 of 4 stars; one submission).

Conditions:
Neurofibromatosis, type 1 (NF1). Also called: VON RECKLINGHAUSEN DISEASE; NEUROFIBROMATOSIS, TYPE I, SOMATIC; Peripheral type neurofibromatosis; Neurofibromatosis, type I. Identifiers: Orphanet 636, MedGen C0027831, MONDO:0018975, OMIM 162200. Disease mechanism: loss of function.

Submission:

Labcorp Genetics (formerly Invitae), Labcorp
Classification: Pathogenic for Neurofibromatosis, type 1. Last evaluated: 2025-10-07. Review status: criteria provided, single submitter. Criteria: Invitae Variant Classification Sherloc (09022015). Collection method: clinical testing. Allele origin: germline.
Comment: This sequence change affects a donor splice site in intron 3 of the NF1 gene. RNA analysis indicates that disruption of this splice site induces altered splicing and likely results in a shortened protein product. This variant is not present in population databases (gnomAD no frequency). Disruption of this splice site has been observed in individual(s) with neurofibromatosis type 1 (internal data). In at least one individual the variant was observed to be de novo. Invitae Evidence Modeling of clinical and family history, age, sex, and reported ancestry of multiple individuals with this NF1 variant has been performed. This variant is expected to be pathogenic with a positive predictive value of at least 99%. This is a validated machine learning model that incorporates the clinical features of 1,785,918 individuals referred to our laboratory for NF1 testing. ClinVar contains an entry for this variant (Variation ID: 527581). Studies have shown that disruption of this splice site results in skipping of exon 3, but is expected to preserve the integrity of the reading-frame (PMID: 18546366; internal data). For these reasons, this variant has been classified as Pathogenic.

Literature cited by the submitters: PubMed 18546366.